The following is an entry in ClinVar:

NM_000477.7(ALB):c.843+10C>T

Gene: ALB (albumin; plus strand). Cytogenetic location: 4q13.3.
Variant type: single nucleotide variant.
Coding change: c.843+10C>T on transcript NM_000477.7 (MANE Select); 10 bases into the intron after coding-DNA position 843, C replaced by T.
Molecular consequence: intron variant.
Genome position (GRCh38, 1-based): chr4:73,412,135, C>T. VCF-style: chr4-73412135-C-T. GRCh37 (hg19) VCF-style: chr4-74277852-C-T.
Identifiers: ClinVar variation 783422 (VCV000783422.13), dbSNP rs56379403, ClinGen allele CA2959462.

ClinVar aggregate classification (germline): Benign. Review status: criteria provided, multiple submitters, no conflicts (2 of 4 stars). 2 submissions from 2 submitters: Benign (2). Last evaluated 2026-01-28.

Conditions:
Hyperthyroxinemia, familial dysalbuminemic (FDAH). Also called: EUTHYROID HYPERTHYROXINEMIA 1. Identifiers: MedGen C0342185, MONDO:0014448, OMIM 615999.

Allele frequency attached by ClinVar (database versions not stated): 1000 Genomes Project 30x 0.00750; 1000 Genomes Project 0.00779; gnomAD 0.00821; TOPMed 0.00905; ESP Exome Variant Server 0.00915.
gnomAD v4.1: 2,220 of 1,613,686 alleles (0.14%); highest among the groups gnomAD compares: African/African-American, 2.7%; 29 homozygotes.

Submissions (2):

Labcorp Genetics (formerly Invitae), Labcorp
Classification: Benign. Last evaluated: 2026-01-28. Review status: criteria provided, single submitter. Criteria: Invitae Variant Classification Sherloc (09022015). Collection method: clinical testing. Allele origin: germline.

Illumina Laboratory Services, Illumina
Classification: Benign for Hyperthyroxinemia, familial dysalbuminemic. Last evaluated: 2018-01-12. Review status: criteria provided, single submitter. Criteria: ICSL Variant Classification Criteria 13 December 2019. Collection method: clinical testing. Allele origin: germline.
Comment: This variant was observed in the ICSL laboratory as part of a predisposition screen in an ostensibly healthy population. It had not been previously curated by ICSL or reported in the Human Gene Mutation Database (HGMD: prior to June 1st, 2018), and was therefore a candidate for classification through an automated scoring system. Utilizing variant allele frequency, disease prevalence and penetrance estimates, and inheritance mode, an automated score was calculated to assess if this variant is too frequent to cause the disease. Based on the score and internal cut-off values, a variant classified as benign is not then subjected to further curation. The score for this variant resulted in a classification of benign for this disease.